The following is an entry in ClinVar:

ClinVar aggregate classification (germline): Uncertain significance (0 of 4 stars; one submission).

Conditions:
VPS13B-related disorder. Also called: VPS13B-related condition.

gnomAD v4.1: 1 of 1,612,600 alleles (0.000062%); highest among the groups gnomAD compares: Non-Finnish European, 0.000085%; no homozygotes.

Submission:

PreventionGenetics, part of Exact Sciences
Classification: Uncertain significance for VPS13B-related condition. Last evaluated: 2024-06-24. Review status: no assertion criteria provided. Collection method: clinical testing. Allele origin: germline.
Comment: The VPS13B c.4123A>G variant is predicted to result in the amino acid substitution p.Ile1375Val. To our knowledge, this variant has not been reported in the literature. This variant is reported in 0.0065% of alleles in individuals of European (Non-Finnish) descent in gnomAD. At this time, the clinical significance of this variant is uncertain due to the absence of conclusive functional and genetic evidence.

NM_152564.5(VPS13B):c.4123A>G (p.Ile1375Val)

Gene: VPS13B (vacuolar protein sorting 13 homolog B; plus strand). Cytogenetic location: 8q22.2.
Variant type: single nucleotide variant.
Coding change: c.4123A>G on transcript NM_152564.5 (MANE Select); coding-DNA position 4123, A replaced by G.
Protein change: p.Ile1375Val; replaces isoleucine 1375 with valine.
Molecular consequence: missense variant.
Genome position (GRCh38, 1-based): chr8:99,502,916, A>G. VCF-style: chr8-99502916-A-G. GRCh37 (hg19) VCF-style: chr8-100515144-A-G.
Other names: c.4123A>G, p.Ile1375Val (NM_017890.5); short protein forms I1375V.
Identifiers: ClinVar variation 3344805 (VCV003344805.1).